The following is an entry in ClinVar:

ClinVar aggregate classification (germline): Likely benign. Review status: criteria provided, multiple submitters, no conflicts (2 of 4 stars). 2 submissions from 2 submitters: Likely benign (2). Last evaluated 2025-10-06.

Allele frequency attached by ClinVar (database versions not stated): gnomAD exomes below 0.00001.
gnomAD v4.1: 5 of 1,614,024 alleles (0.00031%); highest among the groups gnomAD compares: Non-Finnish European, 0.00042%; no homozygotes.

Submissions (2):

Labcorp Genetics (formerly Invitae), Labcorp
Classification: Likely benign. Last evaluated: 2025-10-06. Review status: criteria provided, single submitter. Criteria: Invitae Variant Classification Sherloc (09022015). Collection method: clinical testing. Allele origin: germline.

Mayo Clinic Laboratories, Mayo Clinic
Classification: Likely benign. Last evaluated: 2025-03-11. Review status: criteria provided, single submitter. Criteria: ACMG Guidelines, 2015. Collection method: clinical testing. Allele origin: germline. Observed: 1 variant allele.
Comment: BP4, BP7

NM_000391.4(TPP1):c.186G>A (p.Ser62=)

Gene: TPP1 (tripeptidyl peptidase 1; minus strand). Cytogenetic location: 11p15.4.
Variant type: single nucleotide variant.
Coding change: c.186G>A on transcript NM_000391.4 (MANE Select); coding-DNA position 186, G replaced by A.
Protein change: p.Ser62=; no amino-acid change (serine 62 retained).
Molecular consequence: synonymous variant.
Genome position (GRCh38, 1-based): chr11:6,618,819, C>T on the plus strand (G>A on the coding strand, the complement: TPP1 is on the minus strand). VCF-style: chr11-6618819-C-T. GRCh37 (hg19) VCF-style: chr11-6640050-C-T.
Other names: p.Ser62=.
Identifiers: ClinVar variation 1101125 (VCV001101125.10), dbSNP rs1310417118, ClinGen allele CA472774446.